The following is an entry in ClinVar:

NM_176787.5(PIGN):c.885A>C (p.Arg295Ser)

Gene: PIGN (phosphatidylinositol glycan anchor biosynthesis class N; minus strand). Cytogenetic location: 18q21.33.
Variant type: single nucleotide variant.
Coding change: c.885A>C on transcript NM_176787.5 (MANE Select); coding-DNA position 885, A replaced by C.
Protein change: p.Arg295Ser; replaces arginine 295 with serine.
Molecular consequence: missense variant.
Genome position (GRCh38, 1-based): chr18:62,145,946, T>G on the plus strand (A>C on the coding strand, the complement: PIGN is on the minus strand). VCF-style: chr18-62145946-T-G. GRCh37 (hg19) VCF-style: chr18-59813179-T-G.
Other names: c.885A>C, p.Arg295Ser (NM_012327.6); short protein forms R295S.
Identifiers: ClinVar variation 1060652 (VCV001060652.9), dbSNP rs2147269468, ClinGen allele CA402601070.
Genomic context (GRCh38, chr18:62,145,946, plus strand): 5'-AACCAGTAAAGAAATGCTTGTACCTTTCAAAAATGCATCATCAAATTGCTGAGCTGATAC[T>G]CTTTGGGGATACTTGATTCCAGCTCCCCAAGTGACTAAAGGAGTTAAAGTCTCTGAAGGA-3'
Protein context (NP_789744.1, residues 285-305): TWGAGIKYPQ[Arg295Ser]VSAQQFDDAF

ClinVar aggregate classification (germline): Uncertain significance (1 of 4 stars; one submission).

Conditions:
Multiple congenital anomalies-hypotonia-seizures syndrome 1 (MCAHS1). Also called: PIGN-CDG; Congenital disorder of glycosylation due to PIGN deficiency; GLYCOSYLPHOSPHATIDYLINOSITOL BIOSYNTHESIS DEFECT 3. Identifiers: Orphanet 280633, MedGen C3279775, MONDO:0013563, OMIM 614080.

Allele frequency attached by ClinVar (database versions not stated): gnomAD exomes below 0.00001.
gnomAD v4.1: 1 of 1,607,322 alleles (0.000062%); highest among the groups gnomAD compares: Non-Finnish European, 0.000085%; no homozygotes.

Submission:

Labcorp Genetics (formerly Invitae), Labcorp
Classification: Uncertain significance for Multiple congenital anomalies-hypotonia-seizures syndrome 1. Last evaluated: 2022-07-12. Review status: criteria provided, single submitter. Criteria: Invitae Variant Classification Sherloc (09022015). Collection method: clinical testing. Allele origin: germline.
Comment: In summary, the available evidence is currently insufficient to determine the role of this variant in disease. Therefore, it has been classified as a Variant of Uncertain Significance. Algorithms developed to predict the effect of missense changes on protein structure and function (SIFT, PolyPhen-2, Align-GVGD) all suggest that this variant is likely to be tolerated. ClinVar contains an entry for this variant (Variation ID: 1060652). This variant has not been reported in the literature in individuals affected with PIGN-related conditions. This variant is not present in population databases (gnomAD no frequency). This sequence change replaces arginine, which is basic and polar, with serine, which is neutral and polar, at codon 295 of the PIGN protein (p.Arg295Ser).